The following is an entry in ClinVar:

ClinVar aggregate classification (germline): Pathogenic (1 of 4 stars; one submission).

Conditions:
Nemaline myopathy 2 (NEM2). Also called: Nemaline myopathy 2, autosomal recessive. Identifiers: MedGen C1850569, MONDO:0009725, OMIM 256030.

Submission:

Labcorp Genetics (formerly Invitae), Labcorp
Classification: Pathogenic for Nemaline myopathy 2. Last evaluated: 2017-09-20. Review status: criteria provided, single submitter. Criteria: Invitae Variant Classification Sherloc (09022015). Collection method: clinical testing. Allele origin: germline.
Comment: For these reasons, this variant has been classified as Pathogenic. Loss-of-function variants in NEB are known to be pathogenic (PMID: 25205138). This variant has not been reported in the literature in individuals with NEB-related disease. This variant is not present in population databases (ExAC no frequency). This sequence change creates a premature translational stop signal (p.Gly1551Alafs*4) in the NEB gene. It is expected to result in an absent or disrupted protein product.

Literature cited by the submitters: PubMed 25205138.

NM_001164508.2(NEB):c.4652del (p.Gly1551fs)

Gene: NEB (nebulin; minus strand). Cytogenetic location: 2q23.3.
Variant type: Deletion.
Coding change: c.4652del on transcript NM_001164508.2 (MANE Select); coding-DNA position 4652, one base deleted (G; older notation c.4652delG).
Protein change: p.Gly1551fs; shifts the reading frame from glycine 1551.
Molecular consequence: frameshift variant.
Genome position (GRCh38, 1-based): chr2:151,667,871, C deleted on the plus strand (G on the coding strand, the reverse complement: NEB is on the minus strand); the first of 3 consecutive C bases (chr2:151,667,871-151,667,873); deleting any one gives the same sequence. VCF-style (leftmost placement, unchanged base first): chr2-151667870-GC-G. GRCh37 (hg19) VCF-style: chr2-152524384-GC-G.
Other names: c.4652del, p.Gly1551fs (NM_001164507.2, NM_001271208.2, NM_004543.5); short protein forms G1551fs.
Identifiers: ClinVar variation 533982 (VCV000533982.6), dbSNP rs1553502168, ClinGen allele CA658795891.